The following is an entry in ClinVar:

NM_001378615.1(CC2D2A):c.2885A>G (p.Asp962Gly)

Genes: CC2D2A (coiled-coil and C2 domain containing 2A; plus strand), FBXL5 (F-box and leucine rich repeat protein 5; minus strand). Cytogenetic location: 4p15.32.
Variant type: single nucleotide variant.
Coding change: c.2885A>G on transcript NM_001378615.1 (MANE Select); coding-DNA position 2885, A replaced by G.
Protein change: p.Asp962Gly; replaces aspartic acid 962 with glycine.
Molecular consequence: missense variant.
Genome position (GRCh38, 1-based): chr4:15,559,220, A>G. VCF-style: chr4-15559220-A-G. GRCh37 (hg19) VCF-style: chr4-15560843-A-G.
Other names: p.Asp962Gly; c.2885A>G, p.Asp962Gly (NM_001080522.2); c.2738A>G, p.Asp913Gly (NM_001378617.1); short protein forms D962G, D913G.
Identifiers: ClinVar variation 498794 (VCV000498794.15), dbSNP rs201631131, ClinGen allele CA2864027.
Genomic context (GRCh38, chr4:15,559,220, plus strand): 5'-TTTAGGACTATGAGAAACGGTTACGAGACAGAAATGTAATAGAAACCAAGGAACACATAG[A>G]CACCCATAGGGCCATAGTAGCCAAGTACCTCCAGCAGGTAAGAAAAATCATATAAAACTG-3'
Protein context (NP_001365544.1, residues 952-972): RNVIETKEHI[Asp962Gly]THRAIVAKYL

ClinVar aggregate classification (germline): Uncertain significance. Review status: criteria provided, multiple submitters, no conflicts (2 of 4 stars). 6 submissions from 6 submitters: Uncertain significance (4). 2 of the submissions do not count toward it. Last evaluated 2023-09-27.

Conditions:
Inborn genetic diseases. Identifiers: MedGen C0950123, MeSH D030342.
Meckel-Gruber syndrome. Also called: Dysencephalia splachnocystica; DYSENCEPHALIA SPLANCHNOCYSTICA; GRUBER SYNDROME. Identifiers: Orphanet 564, MedGen C0265215, MONDO:0018921.
Joubert syndrome. Also called: JOUBERT-BOLTSHAUSER SYNDROME; Familial aplasia of the vermis. Identifiers: Orphanet 475, MedGen C5979921, MONDO:0018772.

Allele frequency attached by ClinVar (database versions not stated): gnomAD 0.00003; TOPMed 0.00003; ExAC 0.00008; gnomAD exomes 0.00010 and 0.00013; ESP Exome Variant Server 0.00017.
gnomAD v4.1: 190 of 1,554,264 alleles (0.012%); highest among the groups gnomAD compares: Non-Finnish European, 0.015%; no homozygotes.

Submissions (6):

Mayo Clinic Laboratories, Mayo Clinic
Classification: Uncertain significance. Last evaluated: 2023-09-27. Review status: criteria provided, single submitter. Criteria: ACMG Guidelines, 2015. Collection method: clinical testing. Allele origin: germline. Observed: 1 variant allele.
Comment: PM2_moderate

Labcorp Genetics (formerly Invitae), Labcorp
Classification: Uncertain significance for Joubert syndrome; Meckel-Gruber syndrome. Last evaluated: 2022-07-30. Review status: criteria provided, single submitter. Criteria: Invitae Variant Classification Sherloc (09022015). Collection method: clinical testing. Allele origin: germline.
Comment: This sequence change replaces aspartic acid, which is acidic and polar, with glycine, which is neutral and non-polar, at codon 962 of the CC2D2A protein (p.Asp962Gly). This variant is present in population databases (rs201631131, gnomAD 0.02%). This variant has not been reported in the literature in individuals affected with CC2D2A-related conditions. ClinVar contains an entry for this variant (Variation ID: 498794). Advanced modeling of protein sequence and biophysical properties (such as structural, functional, and spatial information, amino acid conservation, physicochemical variation, residue mobility, and thermodynamic stability) performed at Invitae indicates that this missense variant is expected to disrupt CC2D2A protein function. In summary, the available evidence is currently insufficient to determine the role of this variant in disease. Therefore, it has been classified as a Variant of Uncertain Significance.

Ambry Genetics
Classification: Uncertain significance for Inborn genetic diseases. Last evaluated: 2021-10-18. Review status: criteria provided, single submitter. Criteria: Ambry Variant Classification Scheme 2023. Collection method: clinical testing. Allele origin: germline.

Eurofins Ntd Llc (ga)
Classification: Uncertain significance. Last evaluated: 2016-11-22. Review status: criteria provided, single submitter. Criteria: EGL Classification Definitions 2015. Collection method: clinical testing. Allele origin: germline. Observed: 1 variant allele, 1 heterozygote.

Clinical Genetics DNA and cytogenetics Diagnostics Lab, Erasmus MC, Erasmus Medical Center
Classification: Uncertain significance. Review status: no assertion criteria provided. Collection method: clinical testing. Allele origin: germline. Affected: yes. Study: VKGL Data-share Consensus. Not counted in ClinVar's aggregate classification.

Clinical Genetics, Academic Medical Center
Classification: Uncertain significance. Review status: no assertion criteria provided. Collection method: clinical testing. Allele origin: germline. Affected: yes. Study: VKGL Data-share Consensus. Not counted in ClinVar's aggregate classification.